The following is an entry in ClinVar:

ClinVar aggregate classification (germline): Uncertain significance (1 of 4 stars; one submission).

Conditions:
Hereditary cancer-predisposing syndrome. Also called: Neoplastic Syndromes, Hereditary; Tumor predisposition; Hereditary neoplastic syndrome; Hereditary Cancer Syndrome. Identifiers: Orphanet 140162, MedGen C0027672, MeSH D009386, MONDO:0015356.

Submission:

Ambry Genetics
Classification: Uncertain significance for Hereditary cancer-predisposing syndrome. Last evaluated: 2026-07-07. Review status: criteria provided, single submitter. Criteria: Ambry Variant Classification Scheme 2023. Collection method: clinical testing. Allele origin: germline.
Comment: The p.A22T variant (also known as c.64G>A), located in coding exon 1 of the SUFU gene, results from a G to A substitution at nucleotide position 64. The alanine at codon 22 is replaced by threonine, an amino acid with similar properties. This amino acid position is conserved. In addition, the in silico prediction for this alteration is inconclusive. Based on the available evidence, the clinical significance of this variant remains unclear.

NM_016169.4(SUFU):c.64G>A (p.Ala22Thr)

Genes: SUFU (SUFU negative regulator of hedgehog signaling; plus strand), LOC130004614 (ATAC-STARR-seq lymphoblastoid silent region 2764; plus strand). Cytogenetic location: 10q24.32.
Variant type: single nucleotide variant.
Coding change: c.64G>A on transcript NM_016169.4 (MANE Select); coding-DNA position 64, G replaced by A.
Protein change: p.Ala22Thr; replaces alanine 22 with threonine.
Molecular consequence: missense variant.
Genome position (GRCh38, 1-based): chr10:102,504,216, G>A. VCF-style: chr10-102504216-G-A. GRCh37 (hg19) VCF-style: chr10-104263973-G-A.
Other names: c.64G>A, p.Ala22Thr (NM_001178133.2); short protein forms A22T.
Identifiers: ClinVar variation 5030425 (VCV005030425.1).